The following is an entry in ClinVar:

NM_005529.7(HSPG2):c.4488G>A (p.Thr1496=)

Gene: HSPG2 (heparan sulfate proteoglycan 2; minus strand). Cytogenetic location: 1p36.12.
Variant type: single nucleotide variant.
Coding change: c.4488G>A on transcript NM_005529.7 (MANE Select); coding-DNA position 4488, G replaced by A.
Protein change: p.Thr1496=; no amino-acid change (threonine 1496 retained).
Molecular consequence: synonymous variant.
Genome position (GRCh38, 1-based): chr1:21,864,981, C>T on the plus strand (G>A on the coding strand, the complement: HSPG2 is on the minus strand). VCF-style: chr1-21864981-C-T. GRCh37 (hg19) VCF-style: chr1-22191474-C-T.
Other names: c.4491G>A, p.Thr1497= (NM_001291860.2).
Identifiers: ClinVar variation 295845 (VCV000295845.44), dbSNP rs372318754, ClinGen allele CA672260.

ClinVar aggregate classification (germline): Conflicting classifications of pathogenicity. Review status: criteria provided, conflicting classifications (1 of 4 stars). 9 submissions from 8 submitters: Uncertain significance (2); Benign (1); Likely benign (6). Last evaluated 2026-09-01.

Conditions:
Connective tissue disorder. Also called: Connective tissue disease. Identifiers: MedGen C0009782, MONDO:0003900.
Lethal Kniest-like syndrome (DDSH). Also called: Dyssegmental Dysplasia. Identifiers: Orphanet 1865, MedGen C1857100, MONDO:0009140, OMIM 224410.
Schwartz-Jampel syndrome. Also called: Myotonic myopathy dwarfism chondrodystrophy and ocular and facial abnormalities. Identifiers: Orphanet 800, MedGen C0036391, MONDO:0009717.
HSPG2-related disorder. Also called: HSPG2-related condition; HSPG2-related disorders.

Allele frequency attached by ClinVar (database versions not stated): ESP Exome Variant Server 0.00031; 1000 Genomes Project 30x 0.00062; gnomAD exomes 0.00071; 1000 Genomes Project 0.00080; TOPMed 0.00091; gnomAD 0.00098 and 0.00101; ExAC 0.00121.
gnomAD v4.1: 1,726 of 1,589,874 alleles (0.11%); highest among the groups gnomAD compares: Non-Finnish European, 0.13%; no homozygotes.

Submissions (9):

CeGaT Center for Human Genetics Tuebingen
Classification: Likely benign. Last evaluated: 2026-09-01. Review status: criteria provided, single submitter. Criteria: CeGaT Center For Human Genetics Tuebingen Variant Classification Criteria Version 2. Collection method: clinical testing. Allele origin: germline. Affected: yes. Observed: 7 variant alleles.
Comment: HSPG2: BP4, BP7

Labcorp Genetics (formerly Invitae), Labcorp
Classification: Likely benign. Last evaluated: 2025-12-19. Review status: criteria provided, single submitter. Criteria: Invitae Variant Classification Sherloc (09022015). Collection method: clinical testing. Allele origin: germline.

PreventionGenetics, part of Exact Sciences
Classification: Likely benign for HSPG2-related condition. Last evaluated: 2025-07-31. Review status: criteria provided, single submitter. Criteria: ACMG Guidelines, 2015. Collection method: clinical testing. Allele origin: germline.
Comment: This variant is classified as likely benign based on ACMG/AMP sequence variant interpretation guidelines (Richards et al. 2015 PMID: 25741868, with internal and published modifications).

Blueprint Genetics
Classification: Likely benign. Last evaluated: 2024-10-17. Review status: criteria provided, single submitter. Criteria: ACMG Guidelines, 2015. Collection method: clinical testing. Allele origin: germline.

GeneDx
Classification: Likely benign. Last evaluated: 2021-05-17. Review status: criteria provided, single submitter. Criteria: GeneDx Variant Classification Process June 2021. Collection method: clinical testing. Allele origin: germline. Affected: yes.

Genome Diagnostics Laboratory, The Hospital for Sick Children
Classification: Likely benign for Connective tissue disorder. Last evaluated: 2019-02-01. Review status: criteria provided, single submitter. Criteria: ACMG Guidelines, 2015. Collection method: clinical testing. Allele origin: germline.

Illumina Laboratory Services, Illumina
Classification: Uncertain significance for Schwartz-Jampel syndrome type 1. Last evaluated: 2018-01-12. Review status: criteria provided, single submitter. Criteria: ICSL Variant Classification Criteria 13 December 2019. Collection method: clinical testing. Allele origin: germline.

Illumina Laboratory Services, Illumina
Classification: Uncertain significance for Lethal Kniest-like syndrome. Last evaluated: 2018-01-12. Review status: criteria provided, single submitter. Criteria: ICSL Variant Classification Criteria 13 December 2019. Collection method: clinical testing. Allele origin: germline.

Athena Diagnostics
Classification: Benign. Last evaluated: 2017-01-27. Review status: criteria provided, single submitter. Criteria: Athena Diagnostics Criteria. Collection method: clinical testing. Allele origin: germline.